The following is an entry in ClinVar:

ClinVar aggregate classification (germline): Uncertain significance (1 of 4 stars; one submission).

Submission:

Quest Diagnostics Nichols Institute San Juan Capistrano
Classification: Uncertain significance. Last evaluated: 2024-07-23. Review status: criteria provided, single submitter. Criteria: Quest Diagnostics criteria. Collection method: clinical testing. Allele origin: unknown.
Comment: This variant results in the duplication of a genomic region which encompasses part of exon 4 (c.672_705+66) in the RAD51C gene. In the published literature, a similar duplication of c.672_705+66 in the RAD51C gene has been reported in individuals referred for testing of hereditary cancer and hereditary cardiovascular disorders without a mention of their specific condition (PMID: 33621668 (2021)). This variant has not been reported in large, multi-ethnic general populations (Genome Aggregation Database). Based on the available information, we are unable to determine the clinical significance of this variant.

Literature cited by the submitters: PubMed 33621668.

NM_058216.3(RAD51C):c.672_705+66dup

Genes: RAD51C (RAD51 paralog C; plus strand), LOC129390903 (MPRA-validated peak2919 silencer; plus strand). Cytogenetic location: 17q22.
Variant type: Duplication.
Coding change: c.672_705+66dup on transcript NM_058216.3 (MANE Select); coding-DNA position 672 through 66 bases into the intron after coding-DNA position 705, 100 bases duplicated.
Molecular consequence: splice donor variant.
Genome position (GRCh38, 1-based): chr17:58,703,296-58,703,395, 100 bases duplicated. GRCh37 (hg19): chr17:56,780,657-56,780,756.
Identifiers: ClinVar variation 3572333 (VCV003572333.1).